The following is an entry in ClinVar:

NM_001134831.2(AHI1):c.2819C>A (p.Pro940His)

Gene: AHI1 (Abelson helper integration site 1; minus strand). Cytogenetic location: 6q23.3.
Variant type: single nucleotide variant.
Coding change: c.2819C>A on transcript NM_001134831.2 (MANE Select); coding-DNA position 2819, C replaced by A.
Protein change: p.Pro940His; replaces proline 940 with histidine.
Molecular consequence: missense variant.
Genome position (GRCh38, 1-based): chr6:135,411,490, G>T on the plus strand (C>A on the coding strand, the complement: AHI1 is on the minus strand). VCF-style: chr6-135411490-G-T. GRCh37 (hg19) VCF-style: chr6-135732628-G-T.
Other names: c.2819C>A, p.Pro940His (NM_001134830.2, NM_001134832.2, NM_001350503.2 and 2 more transcripts); short protein forms P940H.
Identifiers: ClinVar variation 2160522 (VCV002160522.1), dbSNP rs2484271484, ClinGen allele CA365846135.

ClinVar aggregate classification (germline): Uncertain significance (1 of 4 stars; one submission).

Conditions:
Joubert syndrome. Also called: CEREBELLOPARENCHYMAL DISORDER IV; JOUBERT-BOLTSHAUSER SYNDROME; Familial aplasia of the vermis. Identifiers: Orphanet 475, MedGen C5979921, MONDO:0018772.

Allele frequency attached by ClinVar (database versions not stated): gnomAD exomes below 0.00001.
gnomAD v4.1: 2 of 1,611,284 alleles (0.00012%); highest among the groups gnomAD compares: Non-Finnish European, 0.00017%; no homozygotes.

Submission:

Labcorp Genetics (formerly Invitae), Labcorp
Classification: Uncertain significance for Joubert syndrome. Last evaluated: 2022-09-13. Review status: criteria provided, single submitter. Criteria: Invitae Variant Classification Sherloc (09022015). Collection method: clinical testing. Allele origin: germline.
Comment: This sequence change replaces proline, which is neutral and non-polar, with histidine, which is basic and polar, at codon 940 of the AHI1 protein (p.Pro940His). This variant is not present in population databases (gnomAD no frequency). This variant has not been reported in the literature in individuals affected with AHI1-related conditions. Advanced modeling of protein sequence and biophysical properties (such as structural, functional, and spatial information, amino acid conservation, physicochemical variation, residue mobility, and thermodynamic stability) performed at Invitae indicates that this missense variant is not expected to disrupt AHI1 protein function. In summary, the available evidence is currently insufficient to determine the role of this variant in disease. Therefore, it has been classified as a Variant of Uncertain Significance.